The following is an entry in ClinVar:

ClinVar aggregate classification (germline): Likely pathogenic. Review status: criteria provided, multiple submitters, no conflicts (2 of 4 stars). 4 submissions from 4 submitters: Likely pathogenic (4). Last evaluated 2024-11-13.

Conditions:
Hereditary von Willebrand disease. Identifiers: Orphanet 903, MedGen C5703318, MONDO:0019565. Inheritance: Autosomal recessive or Autosomal dominant.
von Willebrand disease type 1 (VWD1). Also called: VON WILLEBRAND DISEASE, TYPE I; VWD, TYPE 1. Identifiers: Orphanet 166078, Orphanet 903, MedGen C1264039, MONDO:0008668, OMIM 193400. Inheritance: autosomal recessive or autosomal dominant.

Allele frequency attached by ClinVar (database versions not stated): TOPMed below 0.00001; gnomAD 0.00001; gnomAD exomes 0.00001; ExAC 0.00002.
gnomAD v4.1: 8 of 1,613,814 alleles (0.0005%); highest among the groups gnomAD compares: South Asian, 0.0011%; no homozygotes.

Submissions (4):

Quest Diagnostics Nichols Institute San Juan Capistrano
Classification: Likely pathogenic. Last evaluated: 2024-11-13. Review status: criteria provided, single submitter. Criteria: Quest Diagnostics criteria. Collection method: clinical testing. Allele origin: unknown.
Comment: The VWF c.7056C>T (p.Gly2352=) synonymous variant has been reported in the published literature in individuals with Von Willebrand disease Type 1 and type 2N (PMIDs: 17190853 (2007), 21393328 (2011), and 27532107 (2016)). A functional study demonstrated that this variant is damaging to protein function (PMID: 21393328 (2011)). The frequency of this variant in the general population, 0.000008 (2/250226 chromosomes (Genome Aggregation Database)), is uninformative in the assessment of its pathogenicity. Analysis of this variant using software algorithms for the prediction of the effect of nucleotide changes on VWF mRNA splicing yielded predictions that this variant may result in the gain of a cryptic splice site without affecting the natural splice sites. Based on the available information, this variant is classified as likely pathogenic.

ARUP Laboratories, Molecular Genetics and Genomics, ARUP Laboratories
Classification: Likely pathogenic. Last evaluated: 2024-09-20. Review status: criteria provided, single submitter. Criteria: ARUP Molecular Germline Variant Investigation Process 2024. Collection method: clinical testing. Allele origin: germline.
Comment: The VWF c.7056C>T; p.Gly2352= variant (rs746482504; ClinVar Variation ID: 631688) is reported in the literature in individuals with type 1 von Willebrand disease, and segregates with disease (Daidone 2011, James 2007). Functional analyses showed the variant leads to mRNA lacking nucleotides 7055_7081del, and that it reduces von Willebrand factor secretion compared to wildtype (Daidone 2011). This variant is only found on two alleles in the Genome Aggregation Database (v2.1.1), indicating it is not a common polymorphism. Based on available information, this variant is considered to be likely pathogenic. References: Daidone V et al. An apparently silent nucleotide substitution (c.7056C>T) in the von Willebrand factor gene is responsible for type 1 von Willebrand disease. Haematologica. 2011 Jun;96(6):881-7. PMID: 21393328. James PD et al. The mutational spectrum of type 1 von Willebrand disease: Results from a Canadian cohort study. Blood. 2007 Jan 1;109(1):145-54. PMID: 17190853.

Illumina Laboratory Services, Illumina
Classification: Likely pathogenic for von Willebrand disorder. Last evaluated: 2018-12-17. Review status: criteria provided, single submitter. Criteria: ICSL Variant Classification Criteria 09 May 2019. Collection method: clinical testing. Allele origin: germline.
Comment: The VWF c.7056C>T (p.Gly2352) variant is a synonymous variant that has been reported in three studies. Diadone et al. (2011) identified the variant in a heterozygous state in three individuals from a single family, all of whom had von Willebrand type 1 disease. The unaffected siblings of the affected individuals did not carry the variant, indicating that it co-segregated with disease. The variant was also reported in trans with a known pathogenic variant in an individual with type 2N disease (Casonato et al. 2016) and to occur with a frequency of <0.01% in a cohort of index cases (James et al. 2007). This variant is reported at a frequency of 0.000064 in the East Asian population of the Exome Aggregation Consortium, but this frequency is based on one allele only in a region of good sequencing coverage. The variant is thus presumed to be rare. Diadone et al. (2011) demonstrated that the p.Gly2352 variant creates a new donor splice site in exon 41, resulting in the deletion of the last 27 nucleotides of exon 41. Functional studies showed that this deletion had a loss of function effect and resulted in 50% of the control secretion level when the variant was expressed in equal amounts with wildtype in FUR4BHK cells and virtually no secretion when expressed alone. Based on the collective evidence, the p.Gly2352 variant is classified as likely pathogenic for von Willebrand disease. This variant was observed by ICSL as part of a predisposition screen in an ostensibly healthy population.

Juno Genomics, Hangzhou Juno Genomics, Inc
Classification: Likely pathogenic for von Willebrand disease type 1. Review status: criteria provided, single submitter. Criteria: ACMG Guidelines, 2015. Collection method: clinical testing. Allele origin: germline.
Comment: Absent from controls (or at extremely low frequency if recessive) in Genome Aggregation Database.;Well-established in vitro or in vivo functional studies supportive of a damaging effect on the gene or gene product.;Co-segregation with disease in multiple affected family members.

Literature cited by the submitters: PubMed 27532107 (cited by Quest Diagnostics Nichols Institute San Juan Capistrano and Illumina Laboratory Services, Illumina); PubMed 21393328 (cited by Quest Diagnostics Nichols Institute San Juan Capistrano and Illumina Laboratory Services, Illumina); PubMed 17190853 (cited by Quest Diagnostics Nichols Institute San Juan Capistrano and Illumina Laboratory Services, Illumina).

NM_000552.5(VWF):c.7056C>T (p.Gly2352=)

Gene: VWF (von Willebrand factor; minus strand). Cytogenetic location: 12p13.31.
Variant type: single nucleotide variant.
Coding change: c.7056C>T on transcript NM_000552.5 (MANE Select); coding-DNA position 7056, C replaced by T.
Protein change: p.Gly2352=; no amino-acid change (glycine 2352 retained).
Molecular consequence: synonymous variant.
Genome position (GRCh38, 1-based): chr12:5,983,175, G>A on the plus strand (C>T on the coding strand, the complement: VWF is on the minus strand). VCF-style: chr12-5983175-G-A. GRCh37 (hg19) VCF-style: chr12-6092341-G-A.
Other names: c.7056C>T (NM_000552.4).
Identifiers: ClinVar variation 631688 (VCV000631688.10), dbSNP rs746482504, ClinGen allele CA6401796.